The following is an entry in ClinVar:

ClinVar aggregate classification (germline): Uncertain significance (1 of 4 stars; one submission).

Submission:

Labcorp Genetics (formerly Invitae), Labcorp
Classification: Uncertain significance. Last evaluated: 2024-01-14. Review status: criteria provided, single submitter. Criteria: Invitae Variant Classification Sherloc (09022015). Collection method: clinical testing. Allele origin: germline.
Comment: This sequence change replaces aspartic acid, which is acidic and polar, with alanine, which is neutral and non-polar, at codon 395 of the LPIN1 protein (p.Asp395Ala). This variant is not present in population databases (gnomAD no frequency). This variant has not been reported in the literature in individuals affected with LPIN1-related conditions. Advanced modeling of protein sequence and biophysical properties (such as structural, functional, and spatial information, amino acid conservation, physicochemical variation, residue mobility, and thermodynamic stability) performed at Invitae indicates that this missense variant is not expected to disrupt LPIN1 protein function with a negative predictive value of 80%. In summary, the available evidence is currently insufficient to determine the role of this variant in disease. Therefore, it has been classified as a Variant of Uncertain Significance.

NM_001349206.2(LPIN1):c.1292A>C (p.Asp431Ala)

Gene: LPIN1 (lipin 1; plus strand). Cytogenetic location: 2p25.1.
Variant type: single nucleotide variant.
Coding change: c.1292A>C on transcript NM_001349206.2 (MANE Select); coding-DNA position 1292, A replaced by C.
Protein change: p.Asp431Ala; replaces aspartic acid 431 with alanine.
Molecular consequence: missense variant. On other transcripts: non-coding transcript variant (1).
Genome position (GRCh38, 1-based): chr2:11,783,856, A>C. VCF-style: chr2-11783856-A-C. GRCh37 (hg19) VCF-style: chr2-11923982-A-C.
Other names: c.1202A>C, p.Asp401Ala (NM_001261427.3); c.1439A>C, p.Asp480Ala (NM_001261428.3); c.1184A>C, p.Asp395Ala (NM_001349199.2, NM_001349200.2, NM_001349201.2 and 1 more transcripts); c.1289A>C, p.Asp430Ala (NM_001349202.2, NM_001349203.2); c.1292A>C, p.Asp431Ala (NM_001349204.2, NM_001349205.2); c.1382A>C, p.Asp461Ala (NM_001349207.2); c.1331A>C, p.Asp444Ala (NM_001349208.2); short protein forms D395A, D431A, D444A, D401A, D480A, D461A, D430A.
Identifiers: ClinVar variation 3010039 (VCV003010039.3), dbSNP rs2148658819, ClinGen allele CA345857092.